The following is an entry in ClinVar:

ClinVar aggregate classification (germline): Uncertain significance. Review status: criteria provided, multiple submitters, no conflicts (2 of 4 stars). 2 submissions from 2 submitters: Uncertain significance (2). Last evaluated 2024-06-02.

Conditions:
Inborn genetic diseases. Identifiers: MedGen C0950123, MeSH D030342.

Allele frequency attached by ClinVar (database versions not stated): TOPMed 0.00006; ExAC 0.00011; gnomAD exomes 0.00011.
gnomAD v4.1: 32 of 1,613,780 alleles (0.002%); highest among the groups gnomAD compares: Admixed American, 0.053%; no homozygotes.

Submissions (2):

Ambry Genetics
Classification: Uncertain significance for Inborn genetic diseases. Last evaluated: 2024-06-02. Review status: criteria provided, single submitter. Criteria: Ambry Variant Classification Scheme 2023. Collection method: clinical testing. Allele origin: germline.

Labcorp Genetics (formerly Invitae), Labcorp
Classification: Uncertain significance. Last evaluated: 2022-11-22. Review status: criteria provided, single submitter. Criteria: Invitae Variant Classification Sherloc (09022015). Collection method: clinical testing. Allele origin: germline.
Comment: In summary, the available evidence is currently insufficient to determine the role of this variant in disease. Therefore, it has been classified as a Variant of Uncertain Significance. Experimental studies and prediction algorithms are not available or were not evaluated, and the functional significance of this variant is currently unknown. ClinVar contains an entry for this variant (Variation ID: 862954). This variant has not been reported in the literature in individuals affected with ARMC9-related conditions. This variant is present in population databases (rs759590237, gnomAD 0.08%). This sequence change replaces glycine with arginine at codon 437 of the ARMC9 protein (p.Gly437Arg). The glycine residue is moderately conserved and there is a moderate physicochemical difference between glycine and arginine.

NM_001352754.2(ARMC9):c.1309G>C (p.Gly437Arg)

Gene: ARMC9 (armadillo repeat containing 9; plus strand). Cytogenetic location: 2q37.1.
Variant type: single nucleotide variant.
Coding change: c.1309G>C on transcript NM_001352754.2 (MANE Select); coding-DNA position 1309, G replaced by C.
Protein change: p.Gly437Arg; replaces glycine 437 with arginine.
Molecular consequence: missense variant. On other transcripts: non-coding transcript variant (1).
Genome position (GRCh38, 1-based): chr2:231,273,053, G>C. VCF-style: chr2-231273053-G-C. GRCh37 (hg19) VCF-style: chr2-232137766-G-C.
Other names: c.1309G>C, p.Gly437Arg (NM_001271466.4, NM_001291656.2, NM_001352755.2 and 3 more transcripts); c.1210G>C, p.Gly404Arg (NM_001352757.2, NM_001352758.2); c.1309G>C (NM_025139.3); short protein forms G437R, G404R.
Identifiers: ClinVar variation 862954 (VCV000862954.6), dbSNP rs759590237, ClinGen allele CA2160273.